The following is an entry in ClinVar:

ClinVar aggregate classification (germline): Uncertain significance. Review status: criteria provided, multiple submitters, no conflicts (2 of 4 stars). 5 submissions from 5 submitters: Uncertain significance (4). 1 of the submissions does not count toward it. Last evaluated 2026-01-09.

Conditions:
Familial adenomatous polyposis 3. Also called: NTHL1-associated polyposis; NTHL1 Tumor Syndrome; NTHL1-Related Adenomatous Polyposis and Colorectal Cancer; NTHL1-related attenuated familial adenomatous polyposis. Identifiers: Orphanet 220460, Orphanet 454840, MedGen C4225157, MONDO:0014630, OMIM 616415.
Hereditary cancer-predisposing syndrome. Also called: Tumor predisposition; Hereditary Cancer Syndrome; Hereditary neoplastic syndrome; Neoplastic Syndromes, Hereditary. Identifiers: Orphanet 140162, MedGen C0027672, MeSH D009386, MONDO:0015356.
NTHL1-related disorder. Also called: NTHL1-related conditions; NTHL1-related condition.

Allele frequency attached by ClinVar (database versions not stated): gnomAD exomes below 0.00001; ExAC 0.00001; gnomAD 0.00003 and 0.00004; TOPMed 0.00004.
gnomAD v4.1: 31 of 1,608,018 alleles (0.0019%); highest among the groups gnomAD compares: African/African-American, 0.004%; no homozygotes.

Submissions (5):

Labcorp Genetics (formerly Invitae), Labcorp
Classification: Uncertain significance. Last evaluated: 2026-01-09. Review status: criteria provided, single submitter. Criteria: Invitae Variant Classification Sherloc (09022015). Collection method: clinical testing. Allele origin: germline.
Comment: This sequence change replaces alanine, which is neutral and non-polar, with threonine, which is neutral and polar, at codon 299 of the NTHL1 protein (p.Ala299Thr). The frequency data for this variant in the population databases is considered unreliable, as metrics indicate poor data quality at this position in the gnomAD database. This missense change has been observed in individual(s) with breast cancer (PMID: 33980861). ClinVar contains an entry for this variant (Variation ID: 822844). An algorithm developed to predict the effect of missense changes on protein structure and function outputs the following: PolyPhen-2: "Benign". The threonine amino acid residue is found in multiple mammalian species, which suggests that this missense change does not adversely affect protein function. In summary, the available evidence is currently insufficient to determine the role of this variant in disease. Therefore, it has been classified as a Variant of Uncertain Significance.

Ambry Genetics
Classification: Uncertain significance for Hereditary cancer-predisposing syndrome. Last evaluated: 2025-12-14. Review status: criteria provided, single submitter. Criteria: Ambry Variant Classification Scheme 2023. Collection method: clinical testing. Allele origin: germline.
Comment: The p.A299T variant (also known as c.895G>A), located in coding exon 6 of the NTHL1 gene, results from a G to A substitution at nucleotide position 895. The alanine at codon 299 is replaced by threonine, an amino acid with similar properties. This variant was detected in a single case from a large breast cancer cohort (Li N et al. NPJ Breast Cancer, 2021 May;7:52). This amino acid position is not well conserved in available vertebrate species. In addition, this alteration is predicted to be tolerated by in silico analysis. Since supporting evidence is limited at this time, the clinical significance of this alteration remains unclear.

Quest Diagnostics Nichols Institute San Juan Capistrano
Classification: Uncertain significance. Last evaluated: 2025-04-10. Review status: criteria provided, single submitter. Criteria: Quest Diagnostics criteria. Collection method: clinical testing. Allele origin: unknown.
Comment: The NTHL1 c.895G>A (p.Ala299Thr) variant has been reported in the published literature in an individual with breast cancer (PMID: 33980861 (2021)). The frequency of this variant in the general population (Genome Aggregation Database) is uninformative in the assessment of its pathogenicity. Analysis of this variant using bioinformatics tools for the prediction of the effect of amino acid changes on protein structure and function yielded predictions that this variant is benign. Based on the available information, we are unable to determine the clinical significance of this variant.

Baylor Genetics
Classification: Uncertain significance for Familial adenomatous polyposis 3. Last evaluated: 2024-02-29. Review status: criteria provided, single submitter. Criteria: ACMG Guidelines, 2015. Collection method: clinical testing. Allele origin: unknown.

PreventionGenetics, part of Exact Sciences
Classification: Uncertain significance for NTHL1-related condition. Last evaluated: 2024-07-24. Review status: no assertion criteria provided. Collection method: clinical testing. Allele origin: germline. Not counted in ClinVar's aggregate classification.
Comment: The NTHL1 c.895G>A variant is predicted to result in the amino acid substitution p.Ala299Thr. This variant has been observed in an individual from a large cohort of patients with breast cancer (Supplementary Table 2, Li. et al. 2021. PubMed ID: 33980861). This variant is reported in 0.00090% of alleles in individuals of European (Non-Finnish) descent in gnomAD and it has been interpreted as a variant of uncertain significance in ClinVar. At this time, the clinical significance of this variant is uncertain due to the absence of conclusive functional and genetic evidence.

Literature cited by the submitters: PubMed 33980861 (cited by 3 submitters).

NM_002528.7(NTHL1):c.871G>A (p.Ala291Thr)

Gene: NTHL1 (nth like DNA glycosylase 1; minus strand). Cytogenetic location: 16p13.3.
Variant type: single nucleotide variant.
Coding change: c.871G>A on transcript NM_002528.7 (MANE Select); coding-DNA position 871, G replaced by A.
Protein change: p.Ala291Thr; replaces alanine 291 with threonine.
Molecular consequence: missense variant.
Genome position (GRCh38, 1-based): chr16:2,039,968, C>T on the plus strand (G>A on the coding strand, the complement: NTHL1 is on the minus strand). VCF-style: chr16-2039968-C-T. GRCh37 (hg19) VCF-style: chr16-2089969-C-T.
Other names: c.700G>A, p.Ala234Thr (NM_001318193.2); c.541G>A, p.Ala181Thr (NM_001318194.2); short protein forms A291T, A181T, A234T.
Identifiers: ClinVar variation 822844 (VCV000822844.16), dbSNP rs763568491, ClinGen allele CA7828074.